The following is an entry in ClinVar:

ClinVar aggregate classification (germline): Benign/Likely benign. Review status: criteria provided, single submitter (1 of 4 stars). 2 submissions from 1 submitter: Benign (1); Likely benign (1). Last evaluated 2018-01-13.

Conditions:
Amyotrophic lateral sclerosis type 8 (ALS8). Identifiers: Orphanet 803, MedGen C1837728, MONDO:0012077, OMIM 608627.
Adult-onset proximal spinal muscular atrophy, autosomal dominant. Also called: FINKEL LATE-ADULT TYPE SMA; Spinal muscular atrophy, late-onset, finkel type. Identifiers: Orphanet 209335, MedGen C1854058, MONDO:0008453, OMIM 182980.

Allele frequency attached by ClinVar (database versions not stated): gnomAD 0.00001; ExAC 0.00009; 1000 Genomes Project 30x 0.00031; 1000 Genomes Project 0.00040.
gnomAD v4.1: 22 of 454,076 alleles (0.0048%); highest among the groups gnomAD compares: South Asian, 0.029%; 1 homozygote.

Submissions (2):

Illumina Laboratory Services, Illumina
Classification: Benign for Amyotrophic lateral sclerosis type 8. Last evaluated: 2018-01-13. Review status: criteria provided, single submitter. Criteria: ICSL Variant Classification Criteria 13 December 2019. Collection method: clinical testing. Allele origin: germline.
Comment: This variant was observed in the ICSL laboratory as part of a predisposition screen in an ostensibly healthy population. It had not been previously curated by ICSL or reported in the Human Gene Mutation Database (HGMD: prior to June 1st, 2018), and was therefore a candidate for classification through an automated scoring system. Utilizing variant allele frequency, disease prevalence and penetrance estimates, and inheritance mode, an automated score was calculated to assess if this variant is too frequent to cause the disease. Based on the score and internal cut-off values, a variant classified as benign is not then subjected to further curation. The score for this variant resulted in a classification of benign for this disease.

Illumina Laboratory Services, Illumina
Classification: Likely benign for Adult-onset proximal spinal muscular atrophy, autosomal dominant. Last evaluated: 2018-01-13. Review status: criteria provided, single submitter. Criteria: ICSL Variant Classification Criteria 13 December 2019. Collection method: clinical testing. Allele origin: germline.
Comment: This variant was observed in the ICSL laboratory as part of a predisposition screen in an ostensibly healthy population. It had not been previously curated by ICSL or reported in the Human Gene Mutation Database (HGMD: prior to June 1st, 2018), and was therefore a candidate for classification through an automated scoring system. Utilizing variant allele frequency, disease prevalence and penetrance estimates, and inheritance mode, an automated score was calculated to assess if this variant is too frequent to cause the disease. Based on the score and internal cut-off values, a variant classified as likely benign is not then subjected to further curation. The score for this variant resulted in a classification of likely benign for this disease.

NM_004738.5(VAPB):c.*4240G>C

Gene: VAPB (VAMP associated protein B and C; plus strand). Cytogenetic location: 20q13.32.
Variant type: single nucleotide variant.
Coding change: c.*4240G>C on transcript NM_004738.5 (MANE Select); 4240 bases downstream of the stop codon, G replaced by C.
Molecular consequence: 3 prime UTR variant. On other transcripts: non-coding transcript variant (1).
Genome position (GRCh38, 1-based): chr20:58,448,475, G>C. VCF-style: chr20-58448475-G-C. GRCh37 (hg19) VCF-style: chr20-57023531-G-C.
Other names: c.*4310G>C (NM_001195677.2).
Identifiers: ClinVar variation 338988 (VCV000338988.6), dbSNP rs554043472, ClinGen allele CA9924572.
Genomic context (GRCh38, chr20:58,448,475, plus strand): 5'-CTGTATAGAACATTTCCAATACATTCGCTCATTGAACTTAATCCTTGCAACTGTGACTGG[G>C]GGGTAGATGGCTCTGTTTGCATACGAAGAAATAAAGGCTCCAGGAGGTTAAATCGGGCAA-3'